The following is an entry in ClinVar:

ClinVar aggregate classification (germline): Conflicting classifications of pathogenicity. Review status: criteria provided, conflicting classifications (1 of 4 stars). 4 submissions from 4 submitters: Uncertain significance (3); Likely benign (1). Last evaluated 2025-10-08.

Conditions:
TPM2-related disorder. Also called: TPM2-related condition; TPM2-related disorders.
Arthrogryposis, distal, type 1A. Also called: ARTHROGRYPOSIS MULTIPLEX CONGENITA, DISTAL, TYPE I. Identifiers: Orphanet 1146, MedGen C6022280, MONDO:0007157, OMIM 108120.

Allele frequency attached by ClinVar (database versions not stated): ExAC 0.00002; TOPMed 0.00002; gnomAD 0.00003; gnomAD exomes 0.00003 and 0.00004.
gnomAD v4.1: 49 of 1,613,976 alleles (0.003%); highest among the groups gnomAD compares: Non-Finnish European, 0.0042%; no homozygotes.

Submissions (4):

Labcorp Genetics (formerly Invitae), Labcorp
Classification: Likely benign for Digitotalar dysmorphism. Last evaluated: 2025-10-08. Review status: criteria provided, single submitter. Criteria: Invitae Variant Classification Sherloc (09022015). Collection method: clinical testing. Allele origin: germline.

Blueprint Genetics
Classification: Uncertain significance. Last evaluated: 2024-06-05. Review status: criteria provided, single submitter. Criteria: ACMG Guidelines, 2015. Collection method: clinical testing. Allele origin: germline.

PreventionGenetics, part of Exact Sciences
Classification: Uncertain significance for TPM2-related condition. Last evaluated: 2023-03-16. Review status: criteria provided, single submitter. Criteria: ACMG Guidelines, 2015. Collection method: clinical testing. Allele origin: germline.
Comment: The TPM2 c.241-7C>A variant is predicted to interfere with splicing. To our knowledge, this variant has not been reported in the literature. This variant is reported in 0.0078% of alleles in individuals of European (Non-Finnish) descent in gnomAD. Although we suspect that this variant may be benign, at this time, the clinical significance of this variant is uncertain due to the absence of conclusive functional and genetic evidence.

Eurofins Ntd Llc (ga)
Classification: Uncertain significance. Last evaluated: 2015-01-06. Review status: criteria provided, single submitter. Criteria: EGL Classification Definitions 2015. Collection method: clinical testing. Allele origin: germline. Observed: 1 variant allele, 1 heterozygote.

NM_003289.4(TPM2):c.241-7C>A

Gene: TPM2 (tropomyosin 2; minus strand). Cytogenetic location: 9p13.3.
Variant type: single nucleotide variant.
Coding change: c.241-7C>A on transcript NM_003289.4 (MANE Select); 7 bases into the intron before coding-DNA position 241, C replaced by A.
Molecular consequence: intron variant.
Genome position (GRCh38, 1-based): chr9:35,685,787, G>T on the plus strand (C>A on the coding strand, the complement: TPM2 is on the minus strand). VCF-style: chr9-35685787-G-T. GRCh37 (hg19) VCF-style: chr9-35685784-G-T.
Other names: c.241-7C>A (NM_213674.1, NM_001301226.2, NM_001301227.2).
Identifiers: ClinVar variation 196358 (VCV000196358.12), dbSNP rs759898332, ClinGen allele CA243285.